The following is an entry in ClinVar:

ClinVar aggregate classification (germline): Uncertain significance (1 of 4 stars; one submission).

Submission:

GeneDx
Classification: Uncertain significance. Last evaluated: 2024-07-17. Review status: criteria provided, single submitter. Criteria: GeneDx Variant Classification Process June 2021. Collection method: clinical testing. Allele origin: germline. Affected: yes.
Comment: Not observed at significant frequency in large population cohorts (gnomAD); In-frame deletion of 5 amino acids in a non-repeat region; In silico analysis supports a deleterious effect on protein structure/function; Has not been previously published as pathogenic or benign to our knowledge

NM_000037.4(ANK1):c.4511_4525del (p.Tyr1504_Pro1508del)

Genes: ANK1 (ankyrin 1; minus strand), LOC126860368 (BRD4-independent group 4 enhancer GRCh37_chr8:41541049-41542248; plus strand). Cytogenetic location: 8p11.21.
Variant type: Deletion.
Coding change: c.4511_4525del on transcript NM_000037.4 (MANE Select); coding-DNA positions 4511 to 4525, 15 bases deleted (ACTCGCTGTCACCCT).
Protein change: p.Tyr1504_Pro1508del.
Molecular consequence: inframe deletion.
Genome position (GRCh38, 1-based): chr8:41,684,556-41,684,570, AGGGTGACAGCGAGT deleted on the plus strand (ACTCGCTGTCACCCT on the coding strand, the reverse complement: ANK1 is on the minus strand); deleting any 15 consecutive bases within chr8:41,684,556-41,684,572 gives the same sequence; the c. name uses the placement nearest the transcript's 3' end. VCF-style (leftmost placement, unchanged base first): chr8-41684555-GAGGGTGACAGCGAGT-G. GRCh37 (hg19) VCF-style: chr8-41542073-GAGGGTGACAGCGAGT-G.
Other names: c.4634_4648del, p.Tyr1545_Pro1549del (NM_001142446.2); c.4511_4525del, p.Tyr1504_Pro1508del (NM_020475.3, NM_020476.3, NM_020477.3).
Identifiers: ClinVar variation 3573851 (VCV003573851.1).